The following is an entry in ClinVar:

NM_001312909.2(FAM111A):c.1185A>G (p.Ile395Met)

Gene: FAM111A (FAM111 trypsin like peptidase A; plus strand). Cytogenetic location: 11q12.1.
Variant type: single nucleotide variant.
Coding change: c.1185A>G on transcript NM_001312909.2 (MANE Select); coding-DNA position 1185, A replaced by G.
Protein change: p.Ile395Met; replaces isoleucine 395 with methionine.
Molecular consequence: missense variant.
Genome position (GRCh38, 1-based): chr11:59,152,853, A>G. VCF-style: chr11-59152853-A-G. GRCh37 (hg19) VCF-style: chr11-58920326-A-G.
Other names: c.1185A>G, p.Ile395Met (NM_001142519.3, NM_001142520.3, NM_001142521.3 and 29 more transcripts); short protein forms I395M.
Identifiers: ClinVar variation 1391691 (VCV001391691.6), dbSNP rs2135485673, ClinGen allele CA380781744.

ClinVar aggregate classification (germline): Uncertain significance (1 of 4 stars; one submission).

Submission:

Labcorp Genetics (formerly Invitae), Labcorp
Classification: Uncertain significance. Last evaluated: 2022-09-27. Review status: criteria provided, single submitter. Criteria: Invitae Variant Classification Sherloc (09022015). Collection method: clinical testing. Allele origin: germline.
Comment: This variant is not present in population databases (gnomAD no frequency). This sequence change replaces isoleucine, which is neutral and non-polar, with methionine, which is neutral and non-polar, at codon 395 of the FAM111A protein (p.Ile395Met). Algorithms developed to predict the effect of missense changes on protein structure and function are either unavailable or do not agree on the potential impact of this missense change (SIFT: "Deleterious"; PolyPhen-2: "Probably Damaging"; Align-GVGD: "Class C0"). ClinVar contains an entry for this variant (Variation ID: 1391691). This variant has not been reported in the literature in individuals affected with FAM111A-related conditions. In summary, the available evidence is currently insufficient to determine the role of this variant in disease. Therefore, it has been classified as a Variant of Uncertain Significance.